The following is an entry in ClinVar:

NM_001267550.2(TTN):c.62761C>A (p.Pro20921Thr)

Genes: TTN (titin; minus strand), TTN-AS1 (TTN antisense RNA 1; plus strand). Cytogenetic location: 2q31.2.
Variant type: single nucleotide variant.
Coding change: c.62761C>A on transcript NM_001267550.2 (MANE Select); coding-DNA position 62761, C replaced by A.
Protein change: p.Pro20921Thr; replaces proline 20921 with threonine.
Molecular consequence: missense variant.
Genome position (GRCh38, 1-based): chr2:178,588,964, G>T on the plus strand (C>A on the coding strand, the complement: TTN is on the minus strand). VCF-style: chr2-178588964-G-T. GRCh37 (hg19) VCF-style: chr2-179453691-G-T.
Other names: c.55057C>A, p.Pro18353Thr (NM_133378.4); c.57838C>A, p.Pro19280Thr (NM_001256850.1); c.35566C>A, p.Pro11856Thr (NM_003319.4); c.35941C>A, p.Pro11981Thr (NM_133432.3); c.36142C>A, p.Pro12048Thr (NM_133437.4); short protein forms P18353T, P20921T, P12048T, P11981T, P19280T, P11856T.
Identifiers: ClinVar variation 506278 (VCV000506278.5), dbSNP rs935268567, ClinGen allele CA349460513.
Genomic context (GRCh38, chr2:178,588,964, plus strand): 5'-CTGCACGGACTCTGAAAATATATTCATTTCCTTCTATGAGACGTGTTACTGTAGTACCAG[G>T]TGTCAAGACAGTAGCAGAATAGGTAGACCAAACCATTCGCTTTGTCTCACATTTTTCTAG-3'
Protein context (NP_001254479.2, residues 20911-20931): WSTYSATVLT[Pro20921Thr]GTTVTRLIEG

ClinVar aggregate classification (germline): Uncertain significance (1 of 4 stars; one submission).

Allele frequency attached by ClinVar (database versions not stated): gnomAD 0.00003.
gnomAD v4.1: 9 of 1,612,364 alleles (0.00056%); highest among the groups gnomAD compares: African/African-American, 0.0013%; no homozygotes.

Submission:

Laboratory for Molecular Medicine, Mass General Brigham Personalized Medicine
Classification: Uncertain significance. Last evaluated: 2018-01-22. Review status: criteria provided, single submitter. Criteria: LMM Criteria. Collection method: clinical testing. Allele origin: germline. Observed: 1 variant allele.
Comment: The p.Pro18353Thr variant in TTN has not been previously reported in individual s with cardiomyopathy, but has been identified in 1/8732 of African chromosomes by the Genome Aggregation Database (gnomAD). C omputational prediction tools and conservation analysis do not provide strong su pport for or against an impact to the protein. In summary, the clinical signific ance of the p.Pro18353Thr variant is uncertain. ACMG/AMP Criteria applied: PM2.